The following is an entry in ClinVar:

ClinVar aggregate classification (germline): Conflicting classifications of pathogenicity. Review status: criteria provided, conflicting classifications (1 of 4 stars). 5 submissions from 5 submitters: Pathogenic (1); Likely pathogenic (1); Uncertain significance (2). 1 of the submissions does not count toward it. Last evaluated 2025-10-28.

Conditions:
PCCB-related disorder. Also called: PCCB-related condition.
Propionic acidemia (PROP). Also called: GLYCINEMIA, KETOTIC; HYPERGLYCINEMIA WITH KETOACIDOSIS AND LEUKOPENIA; KETOTIC HYPERGLYCINEMIA. Identifiers: Orphanet 35, MedGen C0268579, MONDO:0011628, OMIM 606054, HP:0003571.

Allele frequency attached by ClinVar (database versions not stated): gnomAD exomes below 0.00001.
gnomAD v4.1: 6 of 1,561,940 alleles (0.00038%); highest among the groups gnomAD compares: East Asian, 0.0023%; no homozygotes.

Submissions (5):

Myriad Genetics, Inc.
Classification: Uncertain significance for Propionic acidemia. Last evaluated: 2025-10-28. Review status: criteria provided, single submitter. Criteria: Myriad Autosomal Dominant, Autosomal Recessive and X-Linked Classification Criteria (2023). Collection method: clinical testing. Allele origin: unknown.
Comment: NM_000532.4(PCCB):c.467T>C(I156T) is a missense variant classified as a variant of uncertain significance in the context of PCCB-related propionic acidemia. I156T has been observed in a case with relevant disease (PMID: 35296328). Relevant functional assessments of this variant are not available in the literature. I156T has not been observed in referenced population frequency databases. In summary, there is insufficient evidence to classify NM_000532.4(PCCB):c.467T>C(I156T) as pathogenic or benign. Please note: this variant was assessed in the context of healthy population screening.

Labcorp Genetics (formerly Invitae), Labcorp
Classification: Pathogenic for Propionic acidemia. Last evaluated: 2024-11-25. Review status: criteria provided, single submitter. Criteria: Invitae Variant Classification Sherloc (09022015). Collection method: clinical testing. Allele origin: germline.
Comment: This sequence change replaces isoleucine, which is neutral and non-polar, with threonine, which is neutral and polar, at codon 156 of the PCCB protein (p.Ile156Thr). This variant is not present in population databases (gnomAD no frequency). This missense change has been observed in individual(s) with propionic acidemia (PMID: 35296328). In at least one individual the data is consistent with being in trans (on the opposite chromosome) from a pathogenic variant. ClinVar contains an entry for this variant (Variation ID: 570186). Invitae Evidence Modeling of protein sequence and biophysical properties (such as structural, functional, and spatial information, amino acid conservation, physicochemical variation, residue mobility, and thermodynamic stability) indicates that this missense variant is expected to disrupt PCCB protein function with a positive predictive value of 95%. For these reasons, this variant has been classified as Pathogenic.

PreventionGenetics, part of Exact Sciences
Classification: Uncertain significance for PCCB-related condition. Last evaluated: 2022-12-09. Review status: criteria provided, single submitter. Criteria: ACMG Guidelines, 2015. Collection method: clinical testing. Allele origin: germline.
Comment: The PCCB c.467T>C variant is predicted to result in the amino acid substitution p.Ile156Thr. This variant was reported in the compound heterozygous state with a second putative disease-causing variant in an individual with adult-onset propionic acidaemia (Li et al 2022. PubMed ID: 35296328). This variant has not been reported in a large population database, indicating it is rare. Although we suspect that this variant may be pathogenic, at this time, the clinical significance of this variant is uncertain due to the absence of conclusive functional and genetic evidence.

Kariminejad - Najmabadi Pathology & Genetics Center
Classification: Likely pathogenic for Propionic acidemia. Review status: criteria provided, single submitter. Criteria: ACMG Guidelines, 2015. Collection method: clinical testing. Allele origin: germline. Affected: no.

Natera, Inc.
Classification: Uncertain significance for Propionic acidemia. Last evaluated: 2021-05-07. Review status: no assertion criteria provided. Collection method: clinical testing. Allele origin: germline. Not counted in ClinVar's aggregate classification.

Literature cited by the submitters: PubMed 35296328 (cited by Myriad Genetics, Inc. and Labcorp Genetics (formerly Invitae), Labcorp).

NM_000532.5(PCCB):c.467T>C (p.Ile156Thr)

Gene: PCCB (propionyl-CoA carboxylase subunit beta; plus strand). Cytogenetic location: 3q22.3.
Variant type: single nucleotide variant.
Coding change: c.467T>C on transcript NM_000532.5 (MANE Select); coding-DNA position 467, T replaced by C.
Protein change: p.Ile156Thr; replaces isoleucine 156 with threonine.
Molecular consequence: missense variant.
Genome position (GRCh38, 1-based): chr3:136,261,989, T>C. VCF-style: chr3-136261989-T-C. GRCh37 (hg19) VCF-style: chr3-135980831-T-C.
Other names: c.527T>C, p.Ile176Thr (NM_001178014.2); short protein forms I156T, I176T.
Identifiers: ClinVar variation 570186 (VCV000570186.14), dbSNP rs1559998737, ClinGen allele CA354739611.